The following is an entry in ClinVar:

NM_005013.2(NUCB2):c.-406C>G

Genes: NUCB2 (nucleobindin 2; plus strand), LOC130005389 (ATAC-STARR-seq lymphoblastoid silent region 3183; plus strand). Cytogenetic location: 11p15.1.
Variant type: single nucleotide variant.
Coding change: c.-406C>G on transcript NM_005013.2; 406 bases upstream of the start codon, C replaced by G.
Genome position (GRCh38, 1-based): chr11:17,276,578, C>G. VCF-style: chr11-17276578-C-G. GRCh37 (hg19) VCF-style: chr11-17298125-C-G.
Other names: rs214088.
Identifiers: ClinVar variation 127108 (VCV000127108.6), dbSNP rs214088, ClinGen allele CA249788.

ClinVar aggregate classification (germline): Conflicting classifications of pathogenicity. Review status: criteria provided, conflicting classifications (1 of 4 stars). 2 submissions from 2 submitters: Uncertain significance (1); Benign (1). Last evaluated 2020-10-28.

Allele frequency attached by ClinVar (database versions not stated): gnomAD 0.62269 and 0.62041; TOPMed 0.63436; 1000 Genomes Project 30x 0.66162; 1000 Genomes Project 0.66514.

Submissions (2):

H3Africa Consortium
Classification: Benign. Last evaluated: 2020-10-28. Review status: criteria provided, single submitter. Criteria: Choudhury A et al. (Nature 2020). Collection method: research. Allele origin: germline. Study: H3Africa.
Comment: While the frequency of the alternate allele in gnoMAD v2.0.2 is 0.71, its frequency in African populations is >5%. This suggests that previous classifications of this variant as pathogenic are in error.

Genomic Research Center, Shahid Beheshti University of Medical Sciences
Classification: Uncertain significance. Last evaluated: 2020-05-03. Review status: criteria provided, single submitter. Criteria: ACMG Guidelines, 2015. Collection method: clinical testing. Allele origin: unknown.